The following is an entry in ClinVar:

NM_007289.4(MME):c.382G>A (p.Glu128Lys)

Gene: MME (membrane metalloendopeptidase; plus strand). Cytogenetic location: 3q25.2.
Variant type: single nucleotide variant.
Coding change: c.382G>A on transcript NM_007289.4 (MANE Select); coding-DNA position 382, G replaced by A.
Protein change: p.Glu128Lys; replaces glutamic acid 128 with lysine.
Molecular consequence: missense variant.
Genome position (GRCh38, 1-based): chr3:155,116,502, G>A. VCF-style: chr3-155116502-G-A. GRCh37 (hg19) VCF-style: chr3-154834291-G-A.
Other names: c.382G>A, p.Glu128Lys (NM_000902.5, NM_001354642.2, NM_001354643.1 and 2 more transcripts); short protein forms E128K.
Identifiers: ClinVar variation 2100814 (VCV002100814.4), dbSNP rs1305393046, ClinGen allele CA355127763.
Genomic context (GRCh38, chr3:155,116,502, plus strand): 5'-ATTATGTTGATGCATTTTATTAAATGTCCTATTTCAGATGTCCTTCAAGAACCCAAAACT[G>A]AAGATATAGTAGCAGTGCAGAAAGCAAAAGCATTGTACAGGTCTTGTATAAATGAATGTA-3'
Protein context (NP_009220.2, residues 118-138): LKDVLQEPKT[Glu128Lys]DIVAVQKAKA

ClinVar aggregate classification (germline): Uncertain significance (1 of 4 stars; one submission).

Allele frequency attached by ClinVar (database versions not stated): gnomAD exomes below 0.00001; gnomAD 0.00001; TOPMed 0.00001.
gnomAD v4.1: 3 of 1,612,350 alleles (0.00019%); highest among the groups gnomAD compares: Non-Finnish European, 0.00025%; no homozygotes.

Submission:

Labcorp Genetics (formerly Invitae), Labcorp
Classification: Uncertain significance. Last evaluated: 2022-03-21. Review status: criteria provided, single submitter. Criteria: Invitae Variant Classification Sherloc (09022015). Collection method: clinical testing. Allele origin: germline.
Comment: In summary, the available evidence is currently insufficient to determine the role of this variant in disease. Therefore, it has been classified as a Variant of Uncertain Significance. Algorithms developed to predict the effect of missense changes on protein structure and function (SIFT, PolyPhen-2, Align-GVGD) all suggest that this variant is likely to be tolerated. This variant has not been reported in the literature in individuals affected with MME-related conditions. This variant is not present in population databases (gnomAD no frequency). This sequence change replaces glutamic acid, which is acidic and polar, with lysine, which is basic and polar, at codon 128 of the MME protein (p.Glu128Lys).